The following is an entry in ClinVar:

NM_000188.3(HK1):c.1935+4A>C

Gene: HK1 (hexokinase 1; plus strand). Cytogenetic location: 10q22.1.
Variant type: single nucleotide variant.
Coding change: c.1935+4A>C on transcript NM_000188.3 (MANE Select); 4 bases into the intron after coding-DNA position 1935, A replaced by C.
Molecular consequence: intron variant.
Genome position (GRCh38, 1-based): chr10:69,386,422, A>C. VCF-style: chr10-69386422-A-C. GRCh37 (hg19) VCF-style: chr10-71146178-A-C.
Other names: c.1899+4A>C (NM_033500.2); c.2040+4A>C (NM_001322365.2); c.1947+4A>C (NM_033498.3, NM_033497.3, NM_001322364.2 and 1 more transcripts); c.1932+4A>C (NM_033496.3); c.1851+4A>C (NM_001322366.1); c.1839+4A>C (NM_001322367.1).
Identifiers: ClinVar variation 2990158 (VCV002990158.3), dbSNP rs1309130903, ClinGen allele CA593841016.

ClinVar aggregate classification (germline): Uncertain significance (1 of 4 stars; one submission).

Allele frequency attached by ClinVar (database versions not stated): gnomAD exomes below 0.00001.
gnomAD v4.1: 2 of 1,599,650 alleles (0.00013%); highest among the groups gnomAD compares: Admixed American, 0.0017%; no homozygotes.

Submission:

Labcorp Genetics (formerly Invitae), Labcorp
Classification: Uncertain significance. Last evaluated: 2023-11-07. Review status: criteria provided, single submitter. Criteria: Invitae Variant Classification Sherloc (09022015). Collection method: clinical testing. Allele origin: germline.
Comment: This sequence change falls in intron 13 of the HK1 gene. It does not directly change the encoded amino acid sequence of the HK1 protein. It affects a nucleotide within the consensus splice site. This variant is present in population databases (no rsID available, gnomAD 0.003%). This variant has been observed in individual(s) with retinitis pigmentosa (Invitae). Variants that disrupt the consensus splice site are a relatively common cause of aberrant splicing (PMID: 17576681, 9536098). Algorithms developed to predict the effect of sequence changes on RNA splicing suggest that this variant may disrupt the consensus splice site. In summary, the available evidence is currently insufficient to determine the role of this variant in disease. Therefore, it has been classified as a Variant of Uncertain Significance.

Literature cited by the submitters: PubMed 17576681; PubMed 9536098.